The following is an entry in ClinVar:

NM_000395.3(CSF2RB):c.89T>C (p.Leu30Pro)

Gene: CSF2RB (colony stimulating factor 2 receptor subunit beta; plus strand). Cytogenetic location: 22q12.3.
Variant type: single nucleotide variant.
Coding change: c.89T>C on transcript NM_000395.3 (MANE Select); coding-DNA position 89, T replaced by C.
Protein change: p.Leu30Pro; replaces leucine 30 with proline.
Molecular consequence: missense variant.
Genome position (GRCh38, 1-based): chr22:36,923,256, T>C. VCF-style: chr22-36923256-T-C. GRCh37 (hg19) VCF-style: chr22-37319298-T-C.
Other names: short protein forms L30P.
Identifiers: ClinVar variation 1482459 (VCV001482459.8), dbSNP rs1940922644, ClinGen allele CA411401421.

ClinVar aggregate classification (germline): Uncertain significance (1 of 4 stars; one submission).

Allele frequency attached by ClinVar (database versions not stated): TOPMed below 0.00001; gnomAD exomes 0.00001.
gnomAD v4.1: 6 of 1,614,186 alleles (0.00037%); highest among the groups gnomAD compares: Non-Finnish European, 0.00042%; no homozygotes.

Submission:

Labcorp Genetics (formerly Invitae), Labcorp
Classification: Uncertain significance. Last evaluated: 2024-03-22. Review status: criteria provided, single submitter. Criteria: Invitae Variant Classification Sherloc (09022015). Collection method: clinical testing. Allele origin: germline.
Comment: This sequence change replaces leucine, which is neutral and non-polar, with proline, which is neutral and non-polar, at codon 30 of the CSF2RB protein (p.Leu30Pro). This variant is not present in population databases (gnomAD no frequency). This variant has not been reported in the literature in individuals affected with CSF2RB-related conditions. ClinVar contains an entry for this variant (Variation ID: 1482459). Advanced modeling of protein sequence and biophysical properties (such as structural, functional, and spatial information, amino acid conservation, physicochemical variation, residue mobility, and thermodynamic stability) performed at Invitae indicates that this missense variant is expected to disrupt CSF2RB protein function with a positive predictive value of 80%. In summary, the available evidence is currently insufficient to determine the role of this variant in disease. Therefore, it has been classified as a Variant of Uncertain Significance.